The following is an entry in ClinVar:

NM_001048174.2(MUTYH):c.635C>T (p.Ala212Val)

Gene: MUTYH (mutY DNA glycosylase; minus strand). Cytogenetic location: 1p34.1.
Variant type: single nucleotide variant.
Coding change: c.635C>T on transcript NM_001048174.2 (MANE Select); coding-DNA position 635, C replaced by T.
Protein change: p.Ala212Val; replaces alanine 212 with valine.
Molecular consequence: missense variant. On other transcripts: non-coding transcript variant (2).
Genome position (GRCh38, 1-based): chr1:45,332,460, G>A on the plus strand (C>T on the coding strand, the complement: MUTYH is on the minus strand). VCF-style: chr1-45332460-G-A. GRCh37 (hg19) VCF-style: chr1-45798132-G-A.
Other names: p.A240V:GCA>GTA; c.635C>T, p.Ala212Val (NM_001048171.2, NM_001048173.2, NM_001293195.2); c.638C>T, p.Ala213Val (NM_001048172.2); c.719C>T, p.Ala240Val (NM_001128425.2); c.680C>T, p.Ala227Val (NM_001293190.2); c.668C>T, p.Ala223Val (NM_001293191.2); c.359C>T, p.Ala120Val (NM_001293192.2, NM_001293196.2); c.290C>T, p.Ala97Val (NM_001350650.2, NM_001350651.2); and 1 more; short protein forms A240V, A213V, A223V, A227V, A97V, A212V, A120V, A237V.
Identifiers: ClinVar variation 182690 (VCV000182690.29), dbSNP rs369120013, ClinGen allele CA014186.

ClinVar aggregate classification (germline): Conflicting classifications of pathogenicity. Review status: criteria provided, conflicting classifications (1 of 4 stars). 8 submissions from 8 submitters: Uncertain significance (7); Likely benign (1). Last evaluated 2025-09-22.

Conditions:
Hereditary cancer-predisposing syndrome. Also called: Tumor predisposition; Neoplastic Syndromes, Hereditary; Hereditary neoplastic syndrome; Hereditary Cancer Syndrome. Identifiers: Orphanet 140162, MedGen C0027672, MeSH D009386, MONDO:0015356.
Familial adenomatous polyposis 2. Also called: COLORECTAL ADENOMATOUS POLYPOSIS, AUTOSOMAL RECESSIVE; ADENOMAS, MULTIPLE COLORECTAL, AUTOSOMAL RECESSIVE; FAP type 2; MYH-associated polyposis; MUTYH-related attenuated familial adenomatous polyposis; Adenomas, multiple colorectal. Identifiers: Orphanet 220460, Orphanet 247798, MedGen C3272841, MONDO:0012041, OMIM 608456.

Allele frequency attached by ClinVar (database versions not stated): TOPMed below 0.00001; ExAC 0.00001; gnomAD 0.00001; gnomAD exomes 0.00001; ESP Exome Variant Server 0.00008.

Submissions (8):

Labcorp Genetics (formerly Invitae), Labcorp
Classification: Uncertain significance for Familial adenomatous polyposis 2. Last evaluated: 2025-09-22. Review status: criteria provided, single submitter. Criteria: Invitae Variant Classification Sherloc (09022015). Collection method: clinical testing. Allele origin: germline.
Comment: This sequence change replaces alanine, which is neutral and non-polar, with valine, which is neutral and non-polar, at codon 240 of the MUTYH protein (p.Ala240Val). This variant is present in population databases (rs369120013, gnomAD 0.002%). This variant has not been reported in the literature in individuals affected with MUTYH-related conditions. ClinVar contains an entry for this variant (Variation ID: 182690). An algorithm developed to predict the effect of missense changes on protein structure and function outputs the following: PolyPhen-2: "Benign". The valine amino acid residue is found in multiple mammalian species, which suggests that this missense change does not adversely affect protein function. RNA analysis performed to evaluate the impact of this missense change on mRNA splicing indicates it does not significantly alter splicing (internal data). In summary, the available evidence is currently insufficient to determine the role of this variant in disease. Therefore, it has been classified as a Variant of Uncertain Significance.

GeneDx
Classification: Uncertain significance. Last evaluated: 2025-02-05. Review status: criteria provided, single submitter. Criteria: GeneDx Variant Classification Process June 2021. Collection method: clinical testing. Allele origin: germline. Affected: yes.
Comment: Not observed at significant frequency in large population cohorts (gnomAD); In silico analysis indicates that this missense variant does not alter protein structure/function; This variant is associated with the following publications: (PMID: 35038823, 23108399, 11801590, 35892882, 33471991)

All of Us Research Program, National Institutes of Health
Classification: Uncertain significance for Familial adenomatous polyposis 2. Last evaluated: 2024-05-14. Review status: criteria provided, single submitter. Criteria: ACMG Guidelines, 2015. Collection method: clinical testing. Allele origin: germline. Inheritance: Autosomal recessive inheritance. Observed: 11 variant alleles, 11 heterozygotes.
Comment: This missense variant replaces alanine with valine at codon 240 of the MUTYH protein. Computational prediction suggests that this variant may not impact protein structure and function (internally defined REVEL score threshold <= 0.5, PMID: 27666373). To our knowledge, functional studies have not been reported for this variant. This variant has not been reported in individuals affected with MUTYH-related disorders in the literature. This variant has been identified in 2/250490 chromosomes in the general population by the Genome Aggregation Database (gnomAD). The available evidence is insufficient to determine the role of this variant in disease conclusively. Therefore, this variant is classified as a Variant of Uncertain Significance.

This study involves interpretation of variants in research participants for the purpose of population health screening. Participant phenotype was not available at the time of variant classification. Additional details can be found in publication PMID: 35346344, PMCID: PMC8962531

Women's Health and Genetics/Laboratory Corporation of America, LabCorp
Classification: Uncertain significance. Last evaluated: 2024-01-02. Review status: criteria provided, single submitter. Criteria: LabCorp Variant Classification Summary - May 2015. Collection method: clinical testing. Allele origin: germline.
Comment: Variant summary: MUTYH c.719C>T (p.Ala240Val) results in a non-conservative amino acid change located in the HhH-GPD domain (IPR003265) of the encoded protein sequence. Four of five in-silico tools predict a benign effect of the variant on protein function. The variant allele was found at a frequency of 8e-06 in 250490 control chromosomes. The available data on variant occurrences in the general population are insufficient to allow any conclusion about variant significance. c.719C>T has been reported in the literature in a setting of multi-gene panel testing in at least one individual affected with prostate cancer with a family history of cancer (e.g. Mondschein_2022). These report(s) do not provide unequivocal conclusions about association of the variant with MUTYH-Associated Polyposis. To our knowledge, no experimental evidence demonstrating an impact on protein function has been reported. The following publication has been ascertained in the context of this evaluation (PMID: 35892882). Six submitters have cited clinical-significance assessments for this variant to ClinVar after 2014, classifying the variant as uncertain significance (n=5) or likely benign (n=1). Based on the evidence outlined above, the variant was classified as uncertain significance.

Baylor Genetics
Classification: Uncertain significance for Familial adenomatous polyposis 2. Last evaluated: 2023-10-11. Review status: criteria provided, single submitter. Criteria: ACMG Guidelines, 2015. Collection method: clinical testing. Allele origin: unknown.

Quest Diagnostics Nichols Institute San Juan Capistrano
Classification: Uncertain significance. Last evaluated: 2023-06-30. Review status: criteria provided, single submitter. Criteria: Quest Diagnostics criteria. Collection method: clinical testing. Allele origin: unknown.
Comment: In a published case-control study, the variant has been reported in one individual with breast cancer and none of the unaffected controls (PMID: 33471991 (2021), see also LOVD). The frequency of this variant in the general population, 0.000008 (2/250490 chromosomes (Genome Aggregation Database)), is uninformative in the assessment of its pathogenicity. Analysis of this variant using bioinformatics tools for the prediction of the effect of amino acid changes on protein structure and function yielded predictions that this variant is benign. Based on the available information, we are unable to determine the clinical significance of this variant.

Color Diagnostics, LLC DBA Color Health
Classification: Uncertain significance for Hereditary cancer-predisposing syndrome. Last evaluated: 2023-02-22. Review status: criteria provided, single submitter. Criteria: ACMG Guidelines, 2015. Collection method: clinical testing. Allele origin: germline.
Comment: This missense variant replaces alanine with valine at codon 240 of the MUTYH protein. Computational prediction suggests that this variant may not impact protein structure and function (internally defined REVEL score threshold <= 0.5, PMID: 27666373). To our knowledge, functional studies have not been reported for this variant. This variant has not been reported in individuals affected with MUTYH-related disorders in the literature. This variant has been identified in 2/250490 chromosomes in the general population by the Genome Aggregation Database (gnomAD). The available evidence is insufficient to determine the role of this variant in disease conclusively. Therefore, this variant is classified as a Variant of Uncertain Significance.

Ambry Genetics
Classification: Likely benign for Hereditary cancer-predisposing syndrome. Last evaluated: 2018-03-01. Review status: criteria provided, single submitter. Criteria: Ambry Variant Classification Scheme 2023. Collection method: clinical testing. Allele origin: germline.

Literature cited by the submitters: PubMed 35892882 (cited by Women's Health and Genetics/Laboratory Corporation of America, LabCorp); PubMed 33471991 (cited by Quest Diagnostics Nichols Institute San Juan Capistrano).